The following is an entry in ClinVar:

NM_000363.5(TNNI3):c.55A>G (p.Ile19Val)

Gene: TNNI3 (troponin I3, cardiac type; minus strand). Cytogenetic location: 19q13.42.
Variant type: single nucleotide variant.
Coding change: c.55A>G on transcript NM_000363.5 (MANE Select); coding-DNA position 55, A replaced by G.
Protein change: p.Ile19Val; replaces isoleucine 19 with valine.
Molecular consequence: missense variant.
Genome position (GRCh38, 1-based): chr19:55,157,103, T>C on the plus strand (A>G on the coding strand, the complement: TNNI3 is on the minus strand). VCF-style: chr19-55157103-T-C. GRCh37 (hg19) VCF-style: chr19-55668471-T-C.
Other names: c.55A>G (LRG_432t1); short protein forms I19V.
Identifiers: ClinVar variation 573022 (VCV000573022.7), dbSNP rs755862334, ClinGen allele CA051852.

ClinVar aggregate classification (germline): Conflicting classifications of pathogenicity. Review status: criteria provided, conflicting classifications (1 of 4 stars). 3 submissions from 3 submitters: Uncertain significance (1); Benign (1); Likely benign (1). Last evaluated 2025-10-26.

Conditions:
Cardiomyopathy (CMYO). Also called: Cardiomyopathies. Identifiers: Orphanet 167848, MedGen C0878544, MONDO:0004994, HP:0001638. Inheritance: Various modes of inheritance.
Hypertrophic cardiomyopathy. Also called: HYPERTROPHIC MYOCARDIOPATHY. Identifiers: Orphanet 217569, MedGen C0007194, MeSH D002312, MONDO:0005045, HP:0001639.

Allele frequency attached by ClinVar (database versions not stated): gnomAD 0.00001 and 0.00002; TOPMed 0.00001; ExAC 0.00004.
gnomAD v4.1: 13 of 1,602,902 alleles (0.00081%); highest among the groups gnomAD compares: East Asian, 0.02%; no homozygotes.

Submissions (3):

Labcorp Genetics (formerly Invitae), Labcorp
Classification: Uncertain significance for Hypertrophic cardiomyopathy. Last evaluated: 2025-10-26. Review status: criteria provided, single submitter. Criteria: Invitae Variant Classification Sherloc (09022015). Collection method: clinical testing. Allele origin: germline.
Comment: This sequence change replaces isoleucine, which is neutral and non-polar, with valine, which is neutral and non-polar, at codon 19 of the TNNI3 protein (p.Ile19Val). This variant is present in population databases (rs755862334, gnomAD 0.06%). This variant has not been reported in the literature in individuals affected with TNNI3-related conditions. ClinVar contains an entry for this variant (Variation ID: 573022). An algorithm developed to predict the effect of missense changes on protein structure and function outputs the following: PolyPhen-2: "Not Available". The valine amino acid residue is found in multiple mammalian species, which suggests that this missense change does not adversely affect protein function. In summary, the available evidence is currently insufficient to determine the role of this variant in disease. Therefore, it has been classified as a Variant of Uncertain Significance.

Color Diagnostics, LLC DBA Color Health
Classification: Benign for Cardiomyopathy. Last evaluated: 2024-09-12. Review status: criteria provided, single submitter. Criteria: ACMG Guidelines, 2015. Collection method: clinical testing. Allele origin: germline.

All of Us Research Program, National Institutes of Health
Classification: Likely benign for Hypertrophic cardiomyopathy. Last evaluated: 2023-06-15. Review status: criteria provided, single submitter. Criteria: ACMG Guidelines, 2015. Collection method: clinical testing. Allele origin: germline. Inheritance: Autosomal dominant inheritance. Observed: 2 variant alleles, 2 heterozygotes.
Comment: This study involves interpretation of variants in research participants for the purpose of population health screening. Participant phenotype was not available at the time of variant classification. Additional details can be found in publication PMID: 35346344, PMCID: PMC8962531